The following is an entry in ClinVar:

ClinVar aggregate classification (germline): Uncertain significance (1 of 4 stars; one submission).

Allele frequency attached by ClinVar (database versions not stated): gnomAD exomes below 0.00001; ExAC 0.00002; TOPMed 0.00002.
gnomAD v4.1: 4 of 1,582,284 alleles (0.00025%); highest among the groups gnomAD compares: African/African-American, 0.0027%; no homozygotes.

Submission:

Women's Health and Genetics/Laboratory Corporation of America, LabCorp
Classification: Uncertain significance. Last evaluated: 2023-10-02. Review status: criteria provided, single submitter. Criteria: LabCorp Variant Classification Summary - May 2015. Collection method: clinical testing. Allele origin: germline.
Comment: Variant summary: CFTR c.3898T>C (p.Phe1300Leu) results in a non-conservative amino acid change located in the ABC transporter-like, ATP-binding domain (IPR003439) of the encoded protein sequence. Three of five in-silico tools predict a benign effect of the variant on protein function. The variant allele was found at a frequency of 8e-06 in 249316 control chromosomes (gnomAD). The available data on variant occurrences in the general population are insufficient to allow any conclusion about variant significance. To our knowledge, no occurrence of c.3898T>C in individuals affected with Cystic Fibrosis and no experimental evidence demonstrating its impact on protein function have been reported. The following publications have been ascertained in the context of this evaluation (PMID: 11504857, 25735457). No submitters have cited clinical-significance assessments for this variant to ClinVar after 2014. Based on the evidence outlined above, the variant was classified as uncertain significance.

Literature cited by the submitters: PubMed 11504857; PubMed 25735457.

NM_000492.4(CFTR):c.3898T>C (p.Phe1300Leu)

Gene: CFTR (CF transmembrane conductance regulator; plus strand). Cytogenetic location: 7q31.2.
Variant type: single nucleotide variant.
Coding change: c.3898T>C on transcript NM_000492.4 (MANE Select); coding-DNA position 3898, T replaced by C.
Protein change: p.Phe1300Leu; replaces phenylalanine 1300 with leucine.
Molecular consequence: missense variant.
Genome position (GRCh38, 1-based): chr7:117,652,866, T>C. VCF-style: chr7-117652866-T-C. GRCh37 (hg19) VCF-style: chr7-117292920-T-C.
Other names: short protein forms F1300L.
Identifiers: ClinVar variation 2637689 (VCV002637689.1), dbSNP rs764469050, ClinGen allele CA4451580.